The following is an entry in ClinVar:

ClinVar aggregate classification (germline): Uncertain significance (1 of 4 stars; one submission).

Allele frequency attached by ClinVar (database versions not stated): gnomAD 0.00001; gnomAD exomes below 0.00001; TOPMed below 0.00001.
gnomAD v4.1: 4 of 1,614,092 alleles (0.00025%); highest among the groups gnomAD compares: South Asian, 0.0033%; no homozygotes.

Submission:

Labcorp Genetics (formerly Invitae), Labcorp
Classification: Uncertain significance. Last evaluated: 2025-05-19. Review status: criteria provided, single submitter. Criteria: Invitae Variant Classification Sherloc (09022015). Collection method: clinical testing. Allele origin: germline.
Comment: This sequence change replaces asparagine, which is neutral and polar, with serine, which is neutral and polar, at codon 946 of the KCNH1 protein (p.Asn946Ser). This variant is not present in population databases (gnomAD no frequency). This variant has not been reported in the literature in individuals affected with KCNH1-related conditions. ClinVar contains an entry for this variant (Variation ID: 2130766). Invitae Evidence Modeling of protein sequence and biophysical properties (such as structural, functional, and spatial information, amino acid conservation, physicochemical variation, residue mobility, and thermodynamic stability) indicates that this missense variant is not expected to disrupt KCNH1 protein function with a negative predictive value of 95%. In summary, the available evidence is currently insufficient to determine the role of this variant in disease. Therefore, it has been classified as a Variant of Uncertain Significance.

NM_172362.3(KCNH1):c.2837A>G (p.Asn946Ser)

Gene: KCNH1 (potassium voltage-gated channel subfamily H member 1; minus strand). Cytogenetic location: 1q32.2.
Variant type: single nucleotide variant.
Coding change: c.2837A>G on transcript NM_172362.3 (MANE Select); coding-DNA position 2837, A replaced by G.
Protein change: p.Asn946Ser; replaces asparagine 946 with serine.
Molecular consequence: missense variant.
Genome position (GRCh38, 1-based): chr1:210,683,414, T>C on the plus strand (A>G on the coding strand, the complement: KCNH1 is on the minus strand). VCF-style: chr1-210683414-T-C. GRCh37 (hg19) VCF-style: chr1-210856756-T-C.
Other names: c.2756A>G, p.Asn919Ser (NM_002238.4); short protein forms N919S, N946S.
Identifiers: ClinVar variation 2130766 (VCV002130766.4), dbSNP rs1238376404, ClinGen allele CA344870323.
Genomic context (GRCh38, chr1:210,683,414, plus strand): 5'-GACTGAGAGGATCTTCTGGAAGTTAATATCCTGAGTATCTCAGAGAGCTGTTTCTCAATA[T>C]TGGTCATTTTGGCGTTTAAGGCCTTGATGTCCTCCTTCAGCTCGTGCCTCACCTCCAGGA-3'
Protein context (NP_758872.1, residues 936-956): DIKALNAKMT[Asn946Ser]IEKQLSEILR